The following is an entry in ClinVar:

ClinVar aggregate classification (germline): Pathogenic (1 of 4 stars; one submission).

Submission:

GeneDx
Classification: Pathogenic. Last evaluated: 2024-07-22. Review status: criteria provided, single submitter. Criteria: GeneDx Variant Classification Process June 2021. Collection method: clinical testing. Allele origin: germline. Affected: yes.
Comment: Not observed at significant frequency in large population cohorts (gnomAD); In silico analysis supports that this missense variant has a deleterious effect on protein structure/function; Also known as p.(F513V); This variant is associated with the following publications: (PMID: 32021595, 29339502, 11159940, 31585491, 20491771)

NM_003722.5(TP63):c.1654T>G (p.Phe552Val)

Gene: TP63 (tumor protein p63; plus strand). Cytogenetic location: 3q28.
Variant type: single nucleotide variant.
Coding change: c.1654T>G on transcript NM_003722.5 (MANE Select); coding-DNA position 1654, T replaced by G.
Protein change: p.Phe552Val; replaces phenylalanine 552 with valine.
Molecular consequence: missense variant. On other transcripts: intron variant (6).
Genome position (GRCh38, 1-based): chr3:189,890,790, T>G. VCF-style: chr3-189890790-T-G. GRCh37 (hg19) VCF-style: chr3-189608579-T-G.
Other names: c.1372T>G, p.Phe458Val (NM_001114980.2); c.1117T>G, p.Phe373Val (NM_001329146.2); c.1642T>G, p.Phe548Val (NM_001329148.2); c.1648T>G, p.Phe550Val (NM_001329964.2); c.1652+1306T>G (NM_001114978.2); c.1508-3416T>G (NM_001329144.2); c.1370+1306T>G (NM_001114981.2); c.1226-3416T>G (NM_001329145.2); and 2 more; short protein forms F373V, F458V, F548V, F550V, F552V.
Identifiers: ClinVar variation 3602195 (VCV003602195.1).